The following is an entry in ClinVar:

NM_001395413.1(POR):c.1807-2A>C

Gene: POR (cytochrome p450 oxidoreductase; plus strand). Cytogenetic location: 7q11.23.
Variant type: single nucleotide variant.
Coding change: c.1807-2A>C on transcript NM_001395413.1 (MANE Select); the canonical splice acceptor site of the intron before coding-DNA position 1807, A replaced by C.
Molecular consequence: splice acceptor variant.
Genome position (GRCh38, 1-based): chr7:75,986,157, A>C. VCF-style: chr7-75986157-A-C. GRCh37 (hg19) VCF-style: chr7-75615475-A-C.
Other names: c.1657-2A>C (NM_001382662.3); c.1807-2A>C (NM_001382659.3, NM_001367562.3, NM_001382658.3 and 1 more transcripts); c.1861-2A>C (NM_001382655.3).
Identifiers: ClinVar variation 2976800 (VCV002976800.3), dbSNP rs201008307, ClinGen allele CA367750741.
Genomic context (GRCh38, chr7:75,986,157, plus strand): 5'-GGCATGAGGCTGGCAGGGCCACAGCCACAGTGCCCCCCTCACAGCACCACCCTTGGCCCC[A>C]GGTCTACGTCCAGCACCTGCTAAAGCAAGACCGAGAGCACCTGTGGAAGTTGATCGAAGG-3'

ClinVar aggregate classification (germline): Pathogenic (1 of 4 stars; one submission).

Conditions:
Congenital adrenal hyperplasia due to cytochrome P450 oxidoreductase deficiency. Also called: DISORDERED STEROIDOGENESIS DUE TO POR DEFICIENCY. Identifiers: Orphanet 95699, MedGen C1860042, MONDO:0013310, OMIM 613571.

Submission:

Labcorp Genetics (formerly Invitae), Labcorp
Classification: Pathogenic for Congenital adrenal hyperplasia due to cytochrome P450 oxidoreductase deficiency. Last evaluated: 2025-01-15. Review status: criteria provided, single submitter. Criteria: Invitae Variant Classification Sherloc (09022015). Collection method: clinical testing. Allele origin: germline.
Comment: This sequence change affects an acceptor splice site in intron 14 of the POR gene. It is expected to disrupt RNA splicing. Variants that disrupt the donor or acceptor splice site typically lead to a loss of protein function (PMID: 16199547), and loss-of-function variants in POR are known to be pathogenic (PMID: 14758361, 20732302, 21741353). This variant is not present in population databases (gnomAD no frequency). Disruption of this splice site has been observed in individual(s) with clinical features of POR-related conditions (PMID: 32725309). ClinVar contains an entry for this variant (Variation ID: 2976800). Algorithms developed to predict the effect of sequence changes on RNA splicing suggest that this variant may disrupt the consensus splice site. For these reasons, this variant has been classified as Pathogenic.

Literature cited by the submitters: PubMed 16199547; PubMed 14758361; PubMed 20732302; PubMed 21741353; PubMed 32725309.